The following is an entry in ClinVar:

ClinVar aggregate classification (germline): Uncertain significance (1 of 4 stars; one submission).

Conditions:
Familial encephalopathy with neuroserpin inclusion bodies. Also called: ENCEPHALOPATHY, FAMILIAL, WITH COLLINS BODIES. Identifiers: Orphanet 85110, MedGen C1858680, MONDO:0011412, OMIM 604218.

gnomAD v4.1: 6 of 1,614,164 alleles (0.00037%); highest among the groups gnomAD compares: Non-Finnish European, 0.00051%; no homozygotes.

Submission:

Labcorp Genetics (formerly Invitae), Labcorp
Classification: Uncertain significance for Familial encephalopathy with neuroserpin inclusion bodies. Last evaluated: 2025-01-14. Review status: criteria provided, single submitter. Criteria: Invitae Variant Classification Sherloc (09022015). Collection method: clinical testing. Allele origin: germline.
Comment: This sequence change replaces serine, which is neutral and polar, with alanine, which is neutral and non-polar, at codon 75 of the SERPINI1 protein (p.Ser75Ala). This variant is present in population databases (rs780407275, gnomAD 0.0009%). This variant has not been reported in the literature in individuals affected with SERPINI1-related conditions. Invitae Evidence Modeling of protein sequence and biophysical properties (such as structural, functional, and spatial information, amino acid conservation, physicochemical variation, residue mobility, and thermodynamic stability) indicates that this missense variant is not expected to disrupt SERPINI1 protein function with a negative predictive value of 80%. In summary, the available evidence is currently insufficient to determine the role of this variant in disease. Therefore, it has been classified as a Variant of Uncertain Significance.

NM_001122752.2(SERPINI1):c.223T>G (p.Ser75Ala)

Gene: SERPINI1 (serpin family I member 1; plus strand). Cytogenetic location: 3q26.1.
Variant type: single nucleotide variant.
Coding change: c.223T>G on transcript NM_001122752.2 (MANE Select); coding-DNA position 223, T replaced by G.
Protein change: p.Ser75Ala; replaces serine 75 with alanine.
Molecular consequence: missense variant.
Genome position (GRCh38, 1-based): chr3:167,789,351, T>G. VCF-style: chr3-167789351-T-G. GRCh37 (hg19) VCF-style: chr3-167507139-T-G.
Other names: c.223T>G, p.Ser75Ala (NM_005025.5); short protein forms S75A.
Identifiers: ClinVar variation 3702619 (VCV003702619.2).
Genomic context (GRCh38, chr3:167,789,351, plus strand): 5'-CTTGCAATGGGAATGATGGAACTTGGGGCCCAAGGATCTACCCAGAAAGAAATCCGCCAC[T>G]CAATGGGATATGACAGCCTAAAAAATGGTAAGAGTGATCAGGTTTGATTTCTCAAGACTT-3'
Protein context (NP_001116224.1, residues 65-85): QGSTQKEIRH[Ser75Ala]MGYDSLKNGE